The following is an entry in ClinVar:

NM_000094.4(COL7A1):c.3831+3G>A

Gene: COL7A1 (collagen type VII alpha 1 chain; minus strand). Cytogenetic location: 3p21.31.
Variant type: single nucleotide variant.
Coding change: c.3831+3G>A on transcript NM_000094.4 (MANE Select); 3 bases into the intron after coding-DNA position 3831, G replaced by A.
Molecular consequence: intron variant.
Genome position (GRCh38, 1-based): chr3:48,585,687, C>T on the plus strand (G>A on the coding strand, the complement: COL7A1 is on the minus strand). VCF-style: chr3-48585687-C-T. GRCh37 (hg19) VCF-style: chr3-48623120-C-T.
Other names: c.3831+3G>A (NM_000094.3).
Identifiers: ClinVar variation 989744 (VCV000989744.4), dbSNP rs767241808, ClinGen allele CA73983225.

ClinVar aggregate classification (germline): Uncertain significance. Review status: criteria provided, single submitter (1 of 4 stars). 3 submissions from 3 submitters: Uncertain significance (1). 2 of the submissions do not count toward it. Last evaluated 2025-02-20.

Conditions:
Epidermolysis bullosa dystrophica inversa, autosomal recessive. Identifiers: MedGen C2673612.
COL7A1-related disorder. Also called: COL7A1-related condition; COL7A1- related disorders.

Allele frequency attached by ClinVar (database versions not stated): gnomAD exomes 0.00001; TOPMed 0.00004.
gnomAD v4.1: 7 of 1,613,930 alleles (0.00043%); highest among the groups gnomAD compares: South Asian, 0.0044%; no homozygotes.

Submissions (3):

Labcorp Genetics (formerly Invitae), Labcorp
Classification: Uncertain significance. Last evaluated: 2025-02-20. Review status: criteria provided, single submitter. Criteria: Invitae Variant Classification Sherloc (09022015). Collection method: clinical testing. Allele origin: germline.
Comment: This sequence change falls in intron 30 of the COL7A1 gene. It does not directly change the encoded amino acid sequence of the COL7A1 protein. It affects a nucleotide within the consensus splice site. This variant is present in population databases (no rsID available, gnomAD 0.01%). This variant has not been reported in the literature in individuals affected with COL7A1-related conditions. ClinVar contains an entry for this variant (Variation ID: 989744). Variants that disrupt the consensus splice site are a relatively common cause of aberrant splicing (PMID: 17576681, 9536098). Algorithms developed to predict the effect of sequence changes on RNA splicing suggest that this variant is not likely to affect RNA splicing. In summary, the available evidence is currently insufficient to determine the role of this variant in disease. Therefore, it has been classified as a Variant of Uncertain Significance.

PreventionGenetics, part of Exact Sciences
Classification: Likely benign for COL7A1-related condition. Last evaluated: 2021-05-03. Review status: no assertion criteria provided. Collection method: clinical testing. Allele origin: germline. Not counted in ClinVar's aggregate classification.
Comment: This variant is classified as likely benign based on ACMG/AMP sequence variant interpretation guidelines (Richards et al. 2015 PMID: 25741868, with internal and published modifications).

Natera, Inc.
Classification: Uncertain significance for Autosomal recessive epidermolysis bullosa dystrophica inversa. Last evaluated: 2020-08-14. Review status: no assertion criteria provided. Collection method: clinical testing. Allele origin: germline. Not counted in ClinVar's aggregate classification.

Literature cited by the submitters: PubMed 17576681 (cited by Labcorp Genetics (formerly Invitae), Labcorp); PubMed 9536098 (cited by Labcorp Genetics (formerly Invitae), Labcorp).